The following is an entry in ClinVar:

ClinVar aggregate classification (germline): Uncertain significance. Review status: criteria provided, multiple submitters, no conflicts (2 of 4 stars). 2 submissions from 2 submitters: Uncertain significance (2). Last evaluated 2024-10-09.

Conditions:
Familial cancer of breast. Also called: BREAST CANCER, FAMILIAL; Hereditary breast cancer; hereditary breast carcinoma. Identifiers: Orphanet 227535, MedGen C0346153, MONDO:0016419, OMIM 114480. Disease mechanism: loss of function.
Hereditary cancer-predisposing syndrome. Also called: Neoplastic Syndromes, Hereditary; Tumor predisposition; Hereditary Cancer Syndrome; Hereditary neoplastic syndrome. Identifiers: Orphanet 140162, MedGen C0027672, MeSH D009386, MONDO:0015356.

Allele frequency attached by ClinVar (database versions not stated): ExAC 0.00001; gnomAD 0.00001; gnomAD exomes 0.00001.
gnomAD v4.1: 1 of 1,556,574 alleles (0.000064%); highest among the groups gnomAD compares: African/African-American, 0.0014%; no homozygotes.

Submissions (2):

Ambry Genetics
Classification: Uncertain significance for Hereditary cancer-predisposing syndrome. Last evaluated: 2024-10-09. Review status: criteria provided, single submitter. Criteria: Ambry Variant Classification Scheme 2023. Collection method: clinical testing. Allele origin: germline.
Comment: The p.E273A variant (also known as c.818A>C), located in coding exon 6 of the CHEK2 gene, results from an A to C substitution at nucleotide position 818. The glutamic acid at codon 273 is replaced by alanine, an amino acid with dissimilar properties. This amino acid position is highly conserved in available vertebrate species. In addition, this alteration is predicted to be deleterious by in silico analysis. Based on the available evidence, the clinical significance of this variant remains unclear.

Labcorp Genetics (formerly Invitae), Labcorp
Classification: Uncertain significance for Familial cancer of breast. Last evaluated: 2021-06-09. Review status: criteria provided, single submitter. Criteria: Invitae Variant Classification Sherloc (09022015). Collection method: clinical testing. Allele origin: germline.
Comment: In summary, the available evidence is currently insufficient to determine the role of this variant in disease. Therefore, it has been classified as a Variant of Uncertain Significance. Algorithms developed to predict the effect of missense changes on protein structure and function are either unavailable or do not agree on the potential impact of this missense change (SIFT: "Tolerated"; PolyPhen-2: "Probably Damaging"; Align-GVGD: "Class C0"). This variant has not been reported in the literature in individuals with CHEK2-related conditions. ClinVar contains an entry for this variant (Variation ID: 481723). This variant is present in population databases (rs755666375, ExAC 0.01%). This sequence change replaces glutamic acid with alanine at codon 273 of the CHEK2 protein (p.Glu273Ala). The glutamic acid residue is moderately conserved and there is a moderate physicochemical difference between glutamic acid and alanine.

Literature cited by the submitters: PubMed 26580448 (cited by Ambry Genetics).

NM_007194.4(CHEK2):c.818A>C (p.Glu273Ala)

Gene: CHEK2 (checkpoint kinase 2; minus strand). Cytogenetic location: 22q12.1.
Variant type: single nucleotide variant.
Coding change: c.818A>C on transcript NM_007194.4 (MANE Select); coding-DNA position 818, A replaced by C.
Protein change: p.Glu273Ala; replaces glutamic acid 273 with alanine.
Molecular consequence: missense variant.
Genome position (GRCh38, 1-based): chr22:28,710,034, T>G on the plus strand (A>C on the coding strand, the complement: CHEK2 is on the minus strand). VCF-style: chr22-28710034-T-G. GRCh37 (hg19) VCF-style: chr22-29106022-T-G.
Other names: c.947A>C, p.Glu316Ala (NM_001005735.3); c.155A>C, p.Glu52Ala (NM_001257387.3); c.617A>C, p.Glu206Ala (NM_001349956.3); c.818A>C, p.Glu273Ala (NM_145862.3); short protein forms E273A, E52A, E206A, E316A.
Identifiers: ClinVar variation 481723 (VCV000481723.17), dbSNP rs755666375, ClinGen allele CA10167855.